The following is an entry in ClinVar:

NM_001002295.2(GATA3):c.707C>G (p.Pro236Arg)

Gene: GATA3 (GATA binding protein 3; plus strand). Cytogenetic location: 10p14.
Variant type: single nucleotide variant.
Coding change: c.707C>G on transcript NM_001002295.2 (MANE Select); coding-DNA position 707, C replaced by G.
Protein change: p.Pro236Arg; replaces proline 236 with arginine.
Molecular consequence: missense variant.
Genome position (GRCh38, 1-based): chr10:8,058,770, C>G. VCF-style: chr10-8058770-C-G. GRCh37 (hg19) VCF-style: chr10-8100733-C-G.
Other names: c.707C>G, p.Pro236Arg (NM_002051.3); short protein forms P236R.
Identifiers: ClinVar variation 3342384 (VCV003342384.2).

ClinVar aggregate classification (germline): Uncertain significance. Review status: criteria provided, multiple submitters, no conflicts (2 of 4 stars). 2 submissions from 2 submitters: Uncertain significance (2). Last evaluated 2026-05-06.

Conditions:
GATA3-related disorder. Also called: GATA3-related condition.

gnomAD v4.1: 23 of 1,610,636 alleles (0.0014%); highest among the groups gnomAD compares: Admixed American, 0.005%; no homozygotes.

Submissions (2):

PreventionGenetics, part of Exact Sciences
Classification: Uncertain significance for GATA3-related condition. Last evaluated: 2026-05-06. Review status: criteria provided, single submitter. Criteria: ACMG Guidelines, 2015. Collection method: clinical testing. Allele origin: germline.
Comment: The GATA3 c.707C>G variant is predicted to result in the amino acid substitution p.Pro236Arg. This variant was reported in an individual with vesicoureteral reflux (Liu et al. 2021. PubMed ID: 34059960; Liu et al. 2022. PubMed ID: 36549658). This variant is reported in 0.0058% of alleles in individuals of Latino descent in gnomAD. At this time, the clinical significance of this variant is uncertain due to the absence of conclusive functional and genetic evidence.

GeneDx
Classification: Uncertain significance. Last evaluated: 2023-09-19. Review status: criteria provided, single submitter. Criteria: GeneDx Variant Classification Process June 2021. Collection method: clinical testing. Allele origin: germline. Affected: yes.
Comment: Reported in the heterozygous state in an individual with vesicoureteral reflux without additional clinical features or segregation (Liu et al., 2021); In silico analysis supports that this missense variant has a deleterious effect on protein structure/function; This variant is associated with the following publications: (PMID: 34059960, 36549658)